The following is an entry in ClinVar:

ClinVar aggregate classification (germline): Pathogenic/Likely pathogenic. Review status: criteria provided, multiple submitters, no conflicts (2 of 4 stars). 4 submissions from 3 submitters: Pathogenic (1); Likely pathogenic (2). 1 of the submissions does not count toward it. Last evaluated 2024-09-18.

Conditions:
Intellectual developmental disorder, autosomal dominant 64. Also called: MENTAL RETARDATION, AUTOSOMAL DOMINANT 64. Identifiers: MedGen C5543067, MONDO:0030934, OMIM 619188.
Microcephaly. Also called: Microcephaly (disease). Identifiers: MedGen C4551563, MONDO:0001149, HP:0000252.
Mild intellectual disability. Identifiers: MedGen C0026106, HP:0001256.
Short stature. Identifiers: MedGen C0349588, HP:0004322.
Neurodevelopmental disorder. Identifiers: MedGen C1535926, MeSH D065886, MONDO:0700092.

Submissions (4):

Institute of Human Genetics, University of Leipzig Medical Center
Classification: Likely pathogenic for Intellectual developmental disorder, autosomal dominant 64. Last evaluated: 2024-09-18. Review status: criteria provided, single submitter. Criteria: ACMG Guidelines, 2015. Collection method: clinical testing. Allele origin: maternal. Inheritance: Autosomal dominant inheritance. Affected: yes.
Comment: Criteria applied: PVS1_STR,PS2_MOD,PS4_MOD

GeneDx
Classification: Pathogenic. Last evaluated: 2023-08-25. Review status: criteria provided, single submitter. Criteria: GeneDx Variant Classification Process June 2021. Collection method: clinical testing. Allele origin: germline. Affected: yes.
Comment: Frameshift variant predicted to result in protein truncation, as the last 1570 amino acids are replaced with 6 different amino acids, and other loss-of-function variants have been reported downstream in HGMD; Not observed at significant frequency in large population cohorts (gnomAD); This variant is associated with the following publications: (PMID: 31723249)

Institute of Human Genetics, University of Leipzig Medical Center
Classification: Likely pathogenic for Mild intellectual disability; Short stature; Microcephaly. Last evaluated: 2020-11-16. Review status: criteria provided, single submitter. Criteria: ACMG Guidelines, 2015. Collection method: clinical testing. Allele origin: de novo. Inheritance: Autosomal dominant inheritance. Affected: yes.
Comment: We identified the variant c.3460_3463delGTTT, p.Val1154fs in the gene ZNF292 in heterozygous state. The variant creates a shift in the reading frame, which will likely result in a truncated protein. The variant allele was not identified in control chromosomes (gnomAD). Based on the evidence outlined above, the variant was classified as likely pathogenic according to the ACMG classification system (Richards et al., 2015, PMID: 25741868).

University of Washington Center for Mendelian Genomics, University of Washington
Classification: Likely pathogenic for Neurodevelopmental disorder. Review status: no assertion criteria provided. Collection method: research. Allele origin: de novo. Affected: yes. Not counted in ClinVar's aggregate classification.

Literature cited by the submitters: PubMed 31723249 (cited by University of Washington Center for Mendelian Genomics, University of Washington).

NM_015021.3(ZNF292):c.3460_3463del (p.Val1154fs)

Gene: ZNF292 (zinc finger protein 292; plus strand). Cytogenetic location: 6q14.3.
Variant type: Microsatellite.
Coding change: c.3460_3463del on transcript NM_015021.3 (MANE Select); coding-DNA positions 3460 to 3463, 4 bases deleted (GTTT; older notation c.3460_3463delGTTT).
Protein change: p.Val1154fs; shifts the reading frame from valine 1154.
Molecular consequence: frameshift variant.
Genome position (GRCh38, 1-based): chr6:87,257,089-87,257,092, GTTT deleted; deleting any 4 consecutive bases within chr6:87,257,085-87,257,092 gives the same sequence; the c. name uses the placement nearest the transcript's 3' end. VCF-style (leftmost placement, unchanged base first): chr6-87257084-AGTTT-A. GRCh37 (hg19) VCF-style: chr6-87966802-AGTTT-A.
Other names: c.3040_3043del, p.Val1014fs (NM_001351444.2); short protein forms V1014fs, V1154fs.
Identifiers: ClinVar variation 982160 (VCV000982160.5), dbSNP rs1775264625, ClinGen allele CA645548568.